The following is an entry in ClinVar:

ClinVar aggregate classification (germline): Uncertain significance (1 of 4 stars; one submission).

Conditions:
Rubinstein-Taybi syndrome (RSTS). Identifiers: Orphanet 783, MedGen C0035934, MONDO:0019188.

Submission:

Labcorp Genetics (formerly Invitae), Labcorp
Classification: Uncertain significance for Rubinstein-Taybi syndrome. Last evaluated: 2024-10-16. Review status: criteria provided, single submitter. Criteria: Invitae Variant Classification Sherloc (09022015). Collection method: clinical testing. Allele origin: germline.
Comment: This sequence change replaces asparagine, which is neutral and polar, with serine, which is neutral and polar, at codon 11 of the CREBBP protein (p.Asn11Ser). This variant is not present in population databases (gnomAD no frequency). This variant has not been reported in the literature in individuals affected with CREBBP-related conditions. ClinVar contains an entry for this variant (Variation ID: 2118436). Invitae Evidence Modeling of protein sequence and biophysical properties (such as structural, functional, and spatial information, amino acid conservation, physicochemical variation, residue mobility, and thermodynamic stability) indicates that this missense variant is not expected to disrupt CREBBP protein function with a negative predictive value of 95%. In summary, the available evidence is currently insufficient to determine the role of this variant in disease. Therefore, it has been classified as a Variant of Uncertain Significance.

NM_004380.3(CREBBP):c.32A>G (p.Asn11Ser)

Gene: CREBBP (CREB binding lysine acetyltransferase; minus strand). Cytogenetic location: 16p13.3.
Variant type: single nucleotide variant.
Coding change: c.32A>G on transcript NM_004380.3 (MANE Select); coding-DNA position 32, A replaced by G.
Protein change: p.Asn11Ser; replaces asparagine 11 with serine.
Molecular consequence: missense variant.
Genome position (GRCh38, 1-based): chr16:3,879,885, T>C on the plus strand (A>G on the coding strand, the complement: CREBBP is on the minus strand). VCF-style: chr16-3879885-T-C. GRCh37 (hg19) VCF-style: chr16-3929886-T-C.
Other names: c.32A>G, p.Asn11Ser (NM_001079846.1); short protein forms N11S.
Identifiers: ClinVar variation 2118436 (VCV002118436.4), dbSNP rs2548581843, ClinGen allele CA394567883.